The following is an entry in ClinVar:

NM_152703.5(SAMD9L):c.1470C>T (p.Tyr490=)

Gene: SAMD9L (sterile alpha motif domain containing 9 like; minus strand). Cytogenetic location: 7q21.2.
Variant type: single nucleotide variant.
Coding change: c.1470C>T on transcript NM_152703.5 (MANE Select); coding-DNA position 1470, C replaced by T.
Protein change: p.Tyr490=; no amino-acid change (tyrosine 490 retained).
Molecular consequence: synonymous variant.
Genome position (GRCh38, 1-based): chr7:93,134,502, G>A on the plus strand (C>T on the coding strand, the complement: SAMD9L is on the minus strand). VCF-style: chr7-93134502-G-A. GRCh37 (hg19) VCF-style: chr7-92763815-G-A.
Other names: c.1470C>T (NM_152703.3, NM_152703.2); c.1470C>T, p.Tyr490= (NM_001303496.3, NM_001303497.3, NM_001303498.3 and 5 more transcripts).
Identifiers: ClinVar variation 2052749 (VCV002052749.6), dbSNP rs776427894, ClinGen allele CA4343721.

ClinVar aggregate classification (germline): Likely benign. Review status: criteria provided, multiple submitters, no conflicts (2 of 4 stars). 3 submissions from 3 submitters: Likely benign (2). 1 of the submissions does not count toward it. Last evaluated 2025-11-12.

Conditions:
SAMD9L-related disorder. Also called: SAMD9L-related condition; SAMD9L-related disorders.
Inborn genetic diseases. Identifiers: MedGen C0950123, MeSH D030342.

Allele frequency attached by ClinVar (database versions not stated): ExAC 0.00001; gnomAD exomes 0.00001; gnomAD 0.00002; TOPMed 0.00002.

Submissions (3):

Labcorp Genetics (formerly Invitae), Labcorp
Classification: Likely benign. Last evaluated: 2025-11-12. Review status: criteria provided, single submitter. Criteria: Invitae Variant Classification Sherloc (09022015). Collection method: clinical testing. Allele origin: germline.

Ambry Genetics
Classification: Likely benign for Inborn genetic diseases. Last evaluated: 2024-11-21. Review status: criteria provided, single submitter. Criteria: Ambry Variant Classification Scheme 2023. Collection method: clinical testing. Allele origin: germline.

PreventionGenetics, part of Exact Sciences
Classification: Likely benign for SAMD9L-related condition. Last evaluated: 2019-03-15. Review status: no assertion criteria provided. Collection method: clinical testing. Allele origin: germline. Not counted in ClinVar's aggregate classification.
Comment: This variant is classified as likely benign based on ACMG/AMP sequence variant interpretation guidelines (Richards et al. 2015 PMID: 25741868, with internal and published modifications).